The following is an entry in ClinVar:

NM_000136.3(FANCC):c.1259C>T (p.Thr420Met)

Genes: AOPEP (aminopeptidase O (putative); plus strand), FANCC (FA complementation group C; minus strand). Cytogenetic location: 9q22.32.
Variant type: single nucleotide variant.
Coding change: c.1259C>T on transcript NM_000136.3 (MANE Select); coding-DNA position 1259, C replaced by T.
Protein change: p.Thr420Met; replaces threonine 420 with methionine.
Molecular consequence: missense variant.
Genome position (GRCh38, 1-based): chr9:95,111,533, G>A on the plus strand (C>T on the coding strand, the complement: FANCC is on the minus strand). VCF-style: chr9-95111533-G-A. GRCh37 (hg19) VCF-style: chr9-97873815-G-A.
Other names: c.1259C>T, p.Thr420Met (NM_001243743.2, NM_001243744.2); short protein forms T420M.
Identifiers: ClinVar variation 449129 (VCV000449129.23), dbSNP rs779261511, ClinGen allele CA5137411.

ClinVar aggregate classification (germline): Uncertain significance. Review status: criteria provided, multiple submitters, no conflicts (2 of 4 stars). 8 submissions from 8 submitters: Uncertain significance (7). 1 of the submissions does not count toward it. Last evaluated 2025-06-28.

Conditions:
Hereditary cancer-predisposing syndrome. Also called: Tumor predisposition; Hereditary Cancer Syndrome; Neoplastic Syndromes, Hereditary; Hereditary neoplastic syndrome. Identifiers: Orphanet 140162, MedGen C0027672, MeSH D009386, MONDO:0015356.
Fanconi anemia complementation group C (FANCC). Also called: Fanconi anemia, group C; FANCONI PANCYTOPENIA, TYPE 3; FACC; FANCC-Related Fanconi Anemia. Identifiers: Orphanet 84, MedGen C3468041, MONDO:0009213, OMIM 227645.
Fanconi anemia (FA). Also called: Fanconi's anemia. Identifiers: Orphanet 84, MedGen C0015625, MeSH D005199, MONDO:0019391.
Fanconi anemia complementation group A (FANCA). Also called: Fanconi anemia, group A; FANCA-Related Fanconi Anemia. Identifiers: Orphanet 84, MedGen C3469521, MONDO:0009215, OMIM 227650.

Allele frequency attached by ClinVar (database versions not stated): ExAC 0.00002; gnomAD exomes 0.00002; TOPMed 0.00006; gnomAD 0.00010.
gnomAD v4.1: 29 of 1,614,044 alleles (0.0018%); highest among the groups gnomAD compares: African/African-American, 0.019%; 1 homozygote.

Submissions (8):

Ambry Genetics
Classification: Uncertain significance for Hereditary cancer-predisposing syndrome. Last evaluated: 2025-06-28. Review status: criteria provided, single submitter. Criteria: Ambry Variant Classification Scheme 2023. Collection method: clinical testing. Allele origin: germline.
Comment: The p.T420M variant (also known as c.1259C>T), located in coding exon 12 of the FANCC gene, results from a C to T substitution at nucleotide position 1259. The threonine at codon 420 is replaced by methionine, an amino acid with similar properties. This amino acid position is poorly conserved in available vertebrate species. In addition, this alteration is predicted to be tolerated by in silico analysis. Since supporting evidence is limited at this time, the clinical significance of this alteration remains unclear.

Fulgent Genetics
Classification: Uncertain significance for Fanconi anemia complementation group C. Last evaluated: 2024-04-05. Review status: criteria provided, single submitter. Criteria: ACMG Guidelines, 2015. Collection method: clinical testing. Allele origin: germline.

Labcorp Genetics (formerly Invitae), Labcorp
Classification: Uncertain significance for Fanconi anemia. Last evaluated: 2023-11-30. Review status: criteria provided, single submitter. Criteria: Invitae Variant Classification Sherloc (09022015). Collection method: clinical testing. Allele origin: germline.
Comment: This sequence change replaces threonine, which is neutral and polar, with methionine, which is neutral and non-polar, at codon 420 of the FANCC protein (p.Thr420Met). This variant is present in population databases (rs779261511, gnomAD 0.03%). This variant has not been reported in the literature in individuals affected with FANCC-related conditions. ClinVar contains an entry for this variant (Variation ID: 449129). Advanced modeling of protein sequence and biophysical properties (such as structural, functional, and spatial information, amino acid conservation, physicochemical variation, residue mobility, and thermodynamic stability) performed at Invitae indicates that this missense variant is not expected to disrupt FANCC protein function with a negative predictive value of 80%. In summary, the available evidence is currently insufficient to determine the role of this variant in disease. Therefore, it has been classified as a Variant of Uncertain Significance.

Quest Diagnostics Nichols Institute San Juan Capistrano
Classification: Uncertain significance. Last evaluated: 2023-05-22. Review status: criteria provided, single submitter. Criteria: Quest Diagnostics criteria. Collection method: clinical testing. Allele origin: unknown.
Comment: In a large scale breast cancer association study, the variant was observed in unaffected individuals and not among the breast cancer cases (PMID: 33471991 (2021), see also LOVD). The frequency of this variant in the general population, 0.00028 (7/24962 chromosomes (Genome Aggregation Database)), is uninformative in the assessment of its pathogenicity. Analysis of this variant using bioinformatics tools for the prediction of the effect of amino acid changes on protein structure and function yielded predictions that this variant is benign. Based on the available information, we are unable to determine the clinical significance of this variant.

GeneDx
Classification: Uncertain significance. Last evaluated: 2023-03-13. Review status: criteria provided, single submitter. Criteria: GeneDx Variant Classification Process June 2021. Collection method: clinical testing. Allele origin: germline. Affected: yes.
Comment: In silico analysis supports that this missense variant does not alter protein structure/function; Has not been previously published as pathogenic or benign to our knowledge; This variant is associated with the following publications: (PMID: 27149842, Gordon2000[Book])

Blueprint Genetics
Classification: Uncertain significance. Last evaluated: 2019-08-28. Review status: criteria provided, single submitter. Criteria: ACMG Guidelines, 2015. Collection method: clinical testing. Allele origin: germline.

Mendelics
Classification: Uncertain significance for Fanconi anemia complementation group A. Last evaluated: 2019-05-28. Review status: criteria provided, single submitter. Criteria: Mendelics Assertion Criteria 2017. Collection method: clinical testing. Allele origin: unknown.

Natera, Inc.
Classification: Uncertain significance for Fanconi anemia. Last evaluated: 2018-05-28. Review status: no assertion criteria provided. Collection method: clinical testing. Allele origin: germline. Not counted in ClinVar's aggregate classification.

Literature cited by the submitters: PubMed 33471991 (cited by Quest Diagnostics Nichols Institute San Juan Capistrano).